The following is an entry in ClinVar:

ClinVar aggregate classification (germline): Pathogenic/Likely pathogenic. Review status: criteria provided, multiple submitters, no conflicts (2 of 4 stars). 3 submissions from 3 submitters: Pathogenic (1); Likely pathogenic (2). Last evaluated 2025-07-28.

Conditions:
Congenital myasthenic syndrome 11. Also called: MYASTHENIC SYNDROME, CONGENITAL, Ie; Myasthenic syndrome, congenital, 11, associated with acetylcholine receptor deficiency. Identifiers: Orphanet 590, MedGen C4225367, MONDO:0014588, OMIM 616326.
Fetal akinesia deformation sequence 1 (FADS1). Also called: Pena-Shokeir syndrome type I; Fetal akinesia sequence. Identifiers: Orphanet 994, MedGen C1276035, MONDO:0100101, OMIM 208150, HP:0001989.
Fetal akinesia deformation sequence 2. Identifiers: MedGen C4760576, MONDO:0100102, OMIM 618388.
RAPSN-related disorder. Also called: RAPSN-related condition; RAPSN-related disorders. Identifiers: MedGen CN239397.

Allele frequency attached by ClinVar (database versions not stated): gnomAD exomes below 0.00001.

Submissions (3):

PreventionGenetics, part of Exact Sciences
Classification: Likely pathogenic for RAPSN-related condition. Last evaluated: 2025-07-28. Review status: criteria provided, single submitter. Criteria: ACMG Guidelines, 2015. Collection method: clinical testing. Allele origin: germline.
Comment: The RAPSN c.11dupA variant is predicted to result in a frameshift and premature protein termination (p.Asp4Glufs*154). To our knowledge, this variant has not been reported in the literature. This variant is reported in 0.00088% of alleles in individuals of European (Non-Finnish) descent in gnomAD. Frameshift variants in RAPSN are expected to be pathogenic. This variant is interpreted as likely pathogenic.

Labcorp Genetics (formerly Invitae), Labcorp
Classification: Pathogenic for Congenital myasthenic syndrome 11; Fetal akinesia deformation sequence 1. Last evaluated: 2023-08-29. Review status: criteria provided, single submitter. Criteria: Invitae Variant Classification Sherloc (09022015). Collection method: clinical testing. Allele origin: germline.
Comment: For these reasons, this variant has been classified as Pathogenic. ClinVar contains an entry for this variant (Variation ID: 952498). This variant has not been reported in the literature in individuals affected with RAPSN-related conditions. This variant is present in population databases (no rsID available, gnomAD 0.0009%). This sequence change creates a premature translational stop signal (p.Asp4Glufs*154) in the RAPSN gene. It is expected to result in an absent or disrupted protein product. Loss-of-function variants in RAPSN are known to be pathogenic (PMID: 17686188).

Baylor Genetics
Classification: Likely pathogenic for Fetal akinesia deformation sequence 2. Last evaluated: 2023-07-14. Review status: criteria provided, single submitter. Criteria: ACMG Guidelines, 2015. Collection method: clinical testing. Allele origin: unknown.

Literature cited by the submitters: PubMed 17686188 (cited by Labcorp Genetics (formerly Invitae), Labcorp).

NM_005055.5(RAPSN):c.11dup (p.Asp4fs)

Gene: RAPSN (receptor associated protein of the synapse; minus strand). Cytogenetic location: 11p11.2.
Variant type: Duplication.
Coding change: c.11dup on transcript NM_005055.5 (MANE Select); coding-DNA position 11, one base duplicated (A; older notation c.11dupA).
Protein change: p.Asp4fs; shifts the reading frame from aspartic acid 4.
Molecular consequence: frameshift variant.
Genome position (GRCh38, 1-based): chr11:47,448,954, T duplicated on the plus strand (A on the coding strand, the reverse complement: RAPSN is on the minus strand). VCF-style (leftmost placement, unchanged base first): chr11-47448953-G-GT. GRCh37 (hg19) VCF-style: chr11-47470505-G-GT.
Other names: c.11dupA (NM_005055.4); c.11dup, p.Asp4fs (NM_032645.5); short protein forms D4fs.
Identifiers: ClinVar variation 952498 (VCV000952498.10), dbSNP rs1565689206, ClinGen allele CA599374891.